The following is an entry in ClinVar:

ClinVar aggregate classification (germline): Uncertain significance. Review status: criteria provided, multiple submitters, no conflicts (2 of 4 stars). 4 submissions from 4 submitters: Uncertain significance (3). 1 of the submissions does not count toward it. Last evaluated 2024-11-11.

Conditions:
Ataxia-telangiectasia syndrome (AT). Also called: Ataxia telangiectasia (A-T); Ataxia-telangiectasia, complementation group E; LOUIS-BAR SYNDROME; Cerebello-oculocutaneous telangiectasia; Immunodeficiency with ataxia telangiectasia; Ataxia-telangiectasia, complementation group D. Identifiers: Orphanet 100, MedGen C0004135, MONDO:0008840, OMIM 208900.
Hereditary cancer-predisposing syndrome. Also called: Hereditary Cancer Syndrome; Neoplastic Syndromes, Hereditary; Tumor predisposition; Hereditary neoplastic syndrome. Identifiers: Orphanet 140162, MedGen C0027672, MeSH D009386, MONDO:0015356.

Allele frequency attached by ClinVar (database versions not stated): TOPMed below 0.00001.

Submissions (4):

Labcorp Genetics (formerly Invitae), Labcorp
Classification: Uncertain significance for Ataxia-telangiectasia syndrome. Last evaluated: 2024-11-11. Review status: criteria provided, single submitter. Criteria: Invitae Variant Classification Sherloc (09022015). Collection method: clinical testing. Allele origin: germline.
Comment: This sequence change replaces histidine, which is basic and polar, with arginine, which is basic and polar, at codon 1865 of the ATM protein (p.His1865Arg). This variant is not present in population databases (gnomAD no frequency). This variant has not been reported in the literature in individuals affected with ATM-related conditions. ClinVar contains an entry for this variant (Variation ID: 232742). Invitae Evidence Modeling of protein sequence and biophysical properties (such as structural, functional, and spatial information, amino acid conservation, physicochemical variation, residue mobility, and thermodynamic stability) indicates that this missense variant is not expected to disrupt ATM protein function with a negative predictive value of 95%. In summary, the available evidence is currently insufficient to determine the role of this variant in disease. Therefore, it has been classified as a Variant of Uncertain Significance.

GeneDx
Classification: Uncertain significance. Last evaluated: 2024-03-05. Review status: criteria provided, single submitter. Criteria: GeneDx Variant Classification Process June 2021. Collection method: clinical testing. Allele origin: germline. Affected: yes.
Comment: Not observed at significant frequency in large population cohorts (gnomAD); In silico analysis supports that this missense variant does not alter protein structure/function; Has not been previously published as pathogenic or benign to our knowledge

Ambry Genetics
Classification: Uncertain significance for Hereditary cancer-predisposing syndrome. Last evaluated: 2024-02-09. Review status: criteria provided, single submitter. Criteria: Ambry Variant Classification Scheme 2023. Collection method: clinical testing. Allele origin: germline.
Comment: The p.H1865R variant (also known as c.5594A>G), located in coding exon 36 of the ATM gene, results from an A to G substitution at nucleotide position 5594. The histidine at codon 1865 is replaced by arginine, an amino acid with highly similar properties. This amino acid position is well conserved in available vertebrate species. In addition, the in silico prediction for this alteration is inconclusive. Based on the available evidence, the clinical significance of this alteration remains unclear.

Natera, Inc.
Classification: Uncertain significance for Ataxia-telangiectasia. Last evaluated: 2020-09-16. Review status: no assertion criteria provided. Collection method: clinical testing. Allele origin: germline. Not counted in ClinVar's aggregate classification.

NM_000051.4(ATM):c.5594A>G (p.His1865Arg)

Gene: ATM (ATM serine/threonine kinase; plus strand). Cytogenetic location: 11q22.3.
Variant type: single nucleotide variant.
Coding change: c.5594A>G on transcript NM_000051.4 (MANE Select); coding-DNA position 5594, A replaced by G.
Protein change: p.His1865Arg; replaces histidine 1865 with arginine.
Molecular consequence: missense variant.
Genome position (GRCh38, 1-based): chr11:108,304,772, A>G. VCF-style: chr11-108304772-A-G. GRCh37 (hg19) VCF-style: chr11-108175499-A-G.
Other names: c.5594A>G, p.His1865Arg (NM_001351834.2); short protein forms H1865R.
Identifiers: ClinVar variation 232742 (VCV000232742.15), dbSNP rs876659963, ClinGen allele CA10579187.